The following is an entry in ClinVar:

ClinVar aggregate classification (germline): Pathogenic (1 of 4 stars; one submission).

Conditions:
Polycystic kidney disease 2 (PKD2). Also called: Polycystic Kidney Disease 2, Autosomal Dominant; POLYCYSTIC KIDNEY DISEASE, ADULT, TYPE II; POLYCYSTIC KIDNEY DISEASE 2 WITH OR WITHOUT POLYCYSTIC LIVER DISEASE. Identifiers: MedGen C2751306, MONDO:0013131, OMIM 613095.

Submission:

Victorian Clinical Genetics Services, Murdoch Childrens Research Institute
Classification: Pathogenic for Polycystic kidney disease 2. Last evaluated: 2026-06-01. Review status: criteria provided, single submitter. Criteria: ACMG Guidelines, 2015. Collection method: clinical testing. Allele origin: germline. Affected: yes.
Comment: This variant is classified as Pathogenic. Evidence in support of pathogenic classification: Variant is predicted to cause nonsense-mediated decay (NMD) and loss of protein (premature termination codon is located at least 54 nucleotides upstream of the final exon-exon junction); Variant is absent from gnomAD (v2, v3 and v4); Other NMD-predicted variant(s) comparable to the one identified in this case have very strong previous evidence for pathogenicity (DECIPHER). Additional information: This variant is heterozygous; This gene is associated with autosomal dominant disease; This variant has no previous evidence of pathogenicity; Loss of function is a known mechanism of disease in this gene and is associated with polycystic kidney disease 2 (MIM#613095); Inheritance information for this variant is not currently available in this individual.

NM_000297.4(PKD2):c.1721_1722insA (p.Phe574fs)

Gene: PKD2 (polycystin 2, transient receptor potential cation channel; plus strand). Cytogenetic location: 4q22.1.
Variant type: Insertion.
Coding change: c.1721_1722insA on transcript NM_000297.4 (MANE Select); coding-DNA positions 1721 to 1722, A inserted.
Protein change: p.Phe574fs; shifts the reading frame from phenylalanine 574.
Molecular consequence: frameshift variant. On other transcripts: non-coding transcript variant (1).
Genome position: GRCh38 VCF-style: chr4-88056090-T-TA. GRCh37 (hg19) VCF-style: chr4-88977242-T-TA.
Other names: c.1496_1497insA, p.Phe499fs (NM_001440544.1); short protein forms F499fs, F574fs.
Identifiers: ClinVar variation 4879722 (VCV004879722.1).